The following is an entry in ClinVar:

ClinVar aggregate classification (germline): Uncertain significance (1 of 4 stars; one submission).

Submission:

Labcorp Genetics (formerly Invitae), Labcorp
Classification: Uncertain significance. Last evaluated: 2025-11-05. Review status: criteria provided, single submitter. Criteria: Invitae Variant Classification Sherloc (09022015). Collection method: clinical testing. Allele origin: germline.
Comment: This sequence change replaces glycine, which is neutral and non-polar, with arginine, which is basic and polar, at codon 402 of the SUCLG2 protein (p.Gly402Arg). This variant is not present in population databases (gnomAD no frequency). This variant has not been reported in the literature in individuals affected with SUCLG2-related conditions. An algorithm developed to predict the effect of missense changes on protein structure and function (PolyPhen-2) suggests that this variant is likely to be tolerated. In summary, the available evidence is currently insufficient to determine the role of this variant in disease. Therefore, it has been classified as a Variant of Uncertain Significance.

NC_000003.12:g.67360748C>T

Gene: SUCLG2 (succinate-CoA ligase GDP-forming subunit beta; minus strand). Cytogenetic location: 3p14.1.
Variant type: single nucleotide variant.
Molecular consequence: missense variant (on NM_001177599.2).
Genome position: GRCh38 VCF-style: chr3-67360748-C-T. GRCh37 (hg19) VCF-style: chr3-67411172-C-T.
Other names: c.1204G>A, p.Gly402Arg (NM_001177599.2); short protein forms G402R.
Identifiers: ClinVar variation 4765367 (VCV004765367.1).